The following is an entry in ClinVar:

ClinVar aggregate classification (germline): Uncertain significance (1 of 4 stars; one submission).

Allele frequency attached by ClinVar (database versions not stated): gnomAD exomes below 0.00001.

Submission:

Ambry Genetics
Classification: Uncertain significance. Last evaluated: 2025-02-02. Review status: criteria provided, single submitter. Criteria: Ambry Variant Classification Scheme 2023. Collection method: clinical testing. Allele origin: germline.
Comment: The p.G8S variant (also known as c.22G>A), located in coding exon 1 of the ATRIP gene, results from a G to A substitution at nucleotide position 22. The glycine at codon 8 is replaced by serine, an amino acid with similar properties. This amino acid position is conserved. In addition, this alteration is predicted to be tolerated by in silico analysis. Based on the available evidence, the clinical significance of this variant remains unclear.

NM_130384.3(ATRIP):c.22G>A (p.Gly8Ser)

Genes: ATRIP (ATR interacting protein; plus strand), ATRIP-TREX1 (ATRIP-TREX1 readthrough; plus strand), LOC129936703 (ATAC-STARR-seq lymphoblastoid silent region 14331; plus strand). Cytogenetic location: 3p21.31.
Variant type: single nucleotide variant.
Coding change: c.22G>A on transcript NM_130384.3 (MANE Select); coding-DNA position 22, G replaced by A.
Protein change: p.Gly8Ser; replaces glycine 8 with serine.
Molecular consequence: missense variant. On other transcripts: non-coding transcript variant (1), intron variant (1).
Genome position (GRCh38, 1-based): chr3:48,446,867, G>A. VCF-style: chr3-48446867-G-A. GRCh37 (hg19) VCF-style: chr3-48488271-G-A.
Other names: c.22G>A, p.Gly8Ser (NM_032166.4); c.-218+68G>A (NM_001271022.2); short protein forms G8S.
Identifiers: ClinVar variation 3132126 (VCV003132126.2), dbSNP rs2529918615, ClinGen allele CA352702282.